The following is an entry in ClinVar:

NM_005204.4(MAP3K8):c.268C>T (p.His90Tyr)

Gene: MAP3K8 (mitogen-activated protein kinase kinase kinase 8; plus strand). Cytogenetic location: 10p11.23.
Variant type: single nucleotide variant.
Coding change: c.268C>T on transcript NM_005204.4 (MANE Select); coding-DNA position 268, C replaced by T.
Protein change: p.His90Tyr; replaces histidine 90 with tyrosine.
Molecular consequence: missense variant.
Genome position (GRCh38, 1-based): chr10:30,439,206, C>T. VCF-style: chr10-30439206-C-T. GRCh37 (hg19) VCF-style: chr10-30728135-C-T.
Other names: c.268C>T, p.His90Tyr (NM_001244134.1, NM_001320961.2); short protein forms H90Y.
Identifiers: ClinVar variation 1498924 (VCV001498924.8), dbSNP rs1435286873, ClinGen allele CA376435913.

ClinVar aggregate classification (germline): Uncertain significance (1 of 4 stars; one submission).

Submission:

Labcorp Genetics (formerly Invitae), Labcorp
Classification: Uncertain significance. Last evaluated: 2024-04-05. Review status: criteria provided, single submitter. Criteria: Invitae Variant Classification Sherloc (09022015). Collection method: clinical testing. Allele origin: germline.
Comment: This sequence change replaces histidine, which is basic and polar, with tyrosine, which is neutral and polar, at codon 90 of the MAP3K8 protein (p.His90Tyr). This variant is not present in population databases (gnomAD no frequency). This variant has not been reported in the literature in individuals affected with MAP3K8-related conditions. ClinVar contains an entry for this variant (Variation ID: 1498924). An algorithm developed to predict the effect of missense changes on protein structure and function (PolyPhen-2) suggests that this variant is likely to be tolerated. In summary, the available evidence is currently insufficient to determine the role of this variant in disease. Therefore, it has been classified as a Variant of Uncertain Significance.